The following is an entry in ClinVar:

ClinVar aggregate classification (germline): Pathogenic. Review status: reviewed by expert panel (3 of 4 stars). 8 submissions from 8 submitters: Pathogenic (1). 7 of the submissions do not count toward it. Last evaluated 2017-03-17.

Conditions:
CFTR-related disorder (CFTR-RD). Also called: CFTR-related condition; CFTR-related disorders. Identifiers: MedGen C5924204, MONDO:7770004.
Cystic fibrosis (CF). Also called: MUCOVISCIDOSIS. Identifiers: Orphanet 586, MedGen C0010674, MONDO:0009061, OMIM 219700. Disease mechanism: loss of function.
Bronchiectasis with or without elevated sweat chloride 1 (BESC1). Also called: Cystic Fibrosis-Like Syndrome. Identifiers: Orphanet 60033, MedGen C2749757, MONDO:0008887, OMIM 211400.

Allele frequency attached by ClinVar (database versions not stated): ExAC 0.00001; gnomAD exomes below 0.00001; TOPMed below 0.00001.
gnomAD v4.1: 3 of 1,610,782 alleles (0.00019%); highest among the groups gnomAD compares: Non-Finnish European, 0.00025%; no homozygotes.

Submissions (8):

CFTR2
Classification: Pathogenic for Cystic fibrosis. Last evaluated: 2017-03-17. Review status: reviewed by expert panel. Criteria: Sosnay PR et al. (Nat Genet 2013). Collection method: research. Allele origin: germline. Affected: yes. Study: CFTR2.

Natera, Inc.
Classification: Pathogenic for CFTR-related disorders. Last evaluated: 2025-07-17. Review status: criteria provided, single submitter. Criteria: Natera Variant Classification Schema (03/2026). Collection method: clinical testing. Allele origin: germline. Not counted in ClinVar's aggregate classification.
Comment: The c.79G>T variant in CFTR is a nonsense variant predicted to introduce a stop codon at amino acid 27. This variant is expected to result in nonsense mediated decay, truncation, or a dysfunctional protein product. This variant is rare in the general population with a frequency below the threshold expected for the associated phenotype(s). This variant has been observed in one or more individuals affected with the associated recessive disease, as either homozygous or compound heterozygous with a second variant (PMID: 1284531, 33980186). Given the available evidence, this variant is classified as Pathogenic.

Baylor Genetics
Classification: Pathogenic for Bronchiectasis with or without elevated sweat chloride 1. Last evaluated: 2023-10-04. Review status: criteria provided, single submitter. Criteria: ACMG Guidelines, 2015. Collection method: clinical testing. Allele origin: unknown. Not counted in ClinVar's aggregate classification.

Women's Health and Genetics/Laboratory Corporation of America, LabCorp
Classification: Pathogenic for Cystic fibrosis. Last evaluated: 2023-06-05. Review status: criteria provided, single submitter. Criteria: LabCorp Variant Classification Summary - May 2015. Collection method: clinical testing. Allele origin: germline. Not counted in ClinVar's aggregate classification.
Comment: Variant summary: CFTR c.79G>T (p.Gly27X) results in a premature termination codon, predicted to cause absence of the protein due to nonsense mediated decay, which is a commonly known mechanism for disease. The variant allele was found at a frequency of 4e-06 in 250926 control chromosomes (gnomAD). c.79G>T has been reported in the literature in individuals affected with Cystic Fibrosis (e.g. Raraigh_2022). The following publication has been ascertained in the context of this evaluation (PMID: 34782259). Six submitters, including an expert panel, have provided clinical-significance assessments for this variant to ClinVar after 2014, and classified it as pathogenic. Based on the evidence outlined above, the variant was classified as pathogenic.

Ambry Genetics
Classification: Pathogenic for Cystic fibrosis. Last evaluated: 2022-07-07. Review status: criteria provided, single submitter. Criteria: Ambry Variant Classification Scheme 2023. Collection method: clinical testing. Allele origin: germline. Not counted in ClinVar's aggregate classification.
Comment: The p.G27* pathogenic mutation (also known as c.79G>T), located in coding exon 2 of the CFTR gene, results from a G to T substitution at nucleotide position 79. This changes the amino acid from a glycine to a stop codon within coding exon 2. This alteration is expected to result in loss of function by premature protein truncation or nonsense-mediated mRNA decay. As such, this alteration is interpreted as a disease-causing mutation.

Labcorp Genetics (formerly Invitae), Labcorp
Classification: Pathogenic for Cystic fibrosis. Last evaluated: 2020-09-10. Review status: criteria provided, single submitter. Criteria: Invitae Variant Classification Sherloc (09022015). Collection method: clinical testing. Allele origin: germline. Not counted in ClinVar's aggregate classification.
Comment: For these reasons, this variant has been classified as Pathogenic. Loss-of-function variants in CFTR are known to be pathogenic (PMID: 1695717, 7691345, 9725922). This variant has been observed in individual(s) with cystic fibrosis (PMID: 1284531). In at least one individual the data is consistent with the variant being in trans (on the opposite chromosome) from a pathogenic variant. ClinVar contains an entry for this variant (Variation ID: 54061). This variant is present in population databases (rs397508796, ExAC 0.002%). This sequence change creates a premature translational stop signal (p.Gly27*) in the CFTR gene. It is expected to result in an absent or disrupted protein product.

CFTR-France
Classification: Pathogenic for cystic fibrosis. Last evaluated: 2018-01-29. Review status: criteria provided, single submitter. Criteria: Claustres M et al. (Hum Mutat 2017). Collection method: curation. Allele origin: germline. Affected: yes. Not counted in ClinVar's aggregate classification.

Counsyl
Classification: Pathogenic for Cystic fibrosis. Last evaluated: 2016-06-22. Review status: no assertion criteria provided. Collection method: clinical testing. Allele origin: unknown. Not counted in ClinVar's aggregate classification.

Literature cited by the submitters: PubMed 1284531 (cited by 4 submitters); PubMed 33980186 (cited by Natera, Inc.); PubMed 34782259 (cited by Women's Health and Genetics/Laboratory Corporation of America, LabCorp); PubMed 1695717 (cited by Labcorp Genetics (formerly Invitae), Labcorp); PubMed 7691345 (cited by Labcorp Genetics (formerly Invitae), Labcorp); PubMed 9725922 (cited by Labcorp Genetics (formerly Invitae), Labcorp).

NM_000492.4(CFTR):c.79G>T (p.Gly27Ter)

Gene: CFTR (CF transmembrane conductance regulator; plus strand). Cytogenetic location: 7q31.2.
Variant type: single nucleotide variant.
Coding change: c.79G>T on transcript NM_000492.4 (MANE Select); coding-DNA position 79, G replaced by T.
Protein change: p.Gly27Ter; replaces glycine 27 with a stop codon.
Molecular consequence: nonsense.
Genome position (GRCh38, 1-based): chr7:117,504,278, G>T. VCF-style: chr7-117504278-G-T. GRCh37 (hg19) VCF-style: chr7-117144332-G-T.
Other names: short protein forms G27*.
Identifiers: ClinVar variation 54061 (VCV000054061.18), dbSNP rs397508796, ClinGen allele CA327656.